The following is an entry in ClinVar:

ClinVar aggregate classification (germline): Uncertain significance (1 of 4 stars; one submission).

gnomAD v4.1: 3 of 1,210,057 alleles (0.00025%); highest among the groups gnomAD compares: African/African-American, 0.0035%; no homozygotes.

Submission:

Mayo Clinic Laboratories, Mayo Clinic
Classification: Uncertain significance. Last evaluated: 2025-06-18. Review status: criteria provided, single submitter. Criteria: ACMG Guidelines, 2015. Collection method: clinical testing. Allele origin: germline. Observed: 1 variant allele.
Comment: BP4_moderate, PM2_supporting

NM_001379110.1(SLC9A6):c.26A>G (p.Lys9Arg)

Gene: SLC9A6 (solute carrier family 9 member A6; plus strand). Cytogenetic location: Xq26.3.
Variant type: single nucleotide variant.
Coding change: c.26A>G on transcript NM_001379110.1 (MANE Select); coding-DNA position 26, A replaced by G.
Protein change: p.Lys9Arg; replaces lysine 9 with arginine.
Molecular consequence: missense variant.
Genome position (GRCh38, 1-based): chrX:135,985,684, A>G. VCF-style: chrX-135985684-A-G. GRCh37 (hg19) VCF-style: chrX-135067843-A-G.
Other names: p.Lys61Arg; c.182A>G, p.Lys61Arg (NM_001042537.2, NM_001438742.1, NM_006359.3); c.26A>G, p.Lys9Arg (NM_001177651.2, NM_001330652.2, NM_001400909.1 and 4 more transcripts); short protein forms K61R, K9R.
Identifiers: ClinVar variation 4542497 (VCV004542497.1).